The following is an entry in ClinVar:

ClinVar aggregate classification (germline): Pathogenic. Review status: reviewed by expert panel (3 of 4 stars). 2 submissions from 2 submitters: Pathogenic (1). 1 of the submissions does not count toward it. Last evaluated 2017-12-15.

Conditions:
Breast-ovarian cancer, familial, susceptibility to, 1 (BROVCA1). Also called: BRCA1 Hereditary Breast and Ovarian Cancer; OVARIAN CANCER, SUSCEPTIBILITY TO. Identifiers: Orphanet 145, MedGen C2676676, MONDO:0011450, OMIM 604370. Disease mechanism: loss of function.

Submissions (2):

Evidence-based Network for the Interpretation of Germline Mutant Alleles (ENIGMA)
Classification: Pathogenic for Breast-ovarian cancer, familial, susceptibility to, 1. Last evaluated: 2017-12-15. Review status: reviewed by expert panel. Criteria: ENIGMA BRCA1/2 Classification Criteria (2017-06-29). Collection method: curation. Allele origin: germline. Study: ENIGMA.
Comment: Variant allele predicted to encode a truncated non-functional protein.

GeneDx
Classification: Pathogenic. Last evaluated: 2015-06-12. Review status: criteria provided, single submitter. Criteria: GeneDx Variant Classification (06012015). Collection method: clinical testing. Allele origin: germline. Affected: yes. Not counted in ClinVar's aggregate classification.
Comment: This deletion of one nucleotide is denoted BRCA1 c.4137delT at the cDNA level and p.Glu1380KfsX13Ter (E1380KfsX13) at the protein level. Using alternate nomenclature, this variant would be defined as BRCA1 4256delT. The normal sequence, with the base that is deleted in braces, is TCTC[T]GAAG. The deletion creates a nonsense variant, which changes a Glutamic Acid to a premature stop codon. Although this variant has not been previously reported to our knowledge, it is predicted to cause loss of normal protein function through either protein truncation or nonsense-mediated mRNA decay, and is considered pathogenic.

NM_007294.4(BRCA1):c.4137del (p.Glu1380fs)

Gene: BRCA1 (BRCA1 DNA repair associated; minus strand). Cytogenetic location: 17q21.31.
Variant type: Deletion.
Coding change: c.4137del on transcript NM_007294.4 (MANE Select); coding-DNA position 4137, one base deleted (T; older notation c.4137delT).
Protein change: p.Glu1380fs; shifts the reading frame from glutamic acid 1380.
Molecular consequence: frameshift variant. On other transcripts: non-coding transcript variant (1).
Genome position (GRCh38, 1-based): chr17:43,090,992, A deleted on the plus strand (T on the coding strand, the reverse complement: BRCA1 is on the minus strand). VCF-style (leftmost placement, unchanged base first): chr17-43090991-CA-C. GRCh37 (hg19) VCF-style: chr17-41243008-CA-C.
Other names: c.3924delT, p.Glu1309Lysfs (NM_001407571.1, NM_001407853.1, NM_001407894.1 and 9 more transcripts); c.4137delT, p.Glu1380Lysfs (NM_001407581.1, NM_001407582.1, NM_001407583.1 and 29 more transcripts); c.4134delT, p.Glu1379Lysfs (NM_001407587.1, NM_001407590.1, NM_001407591.1 and 22 more transcripts); c.4128delT, p.Glu1377Lysfs (NM_001407646.1, NM_001407647.1); c.4014delT, p.Glu1339Lysfs (NM_001407648.1, NM_001407664.1, NM_001407665.1 and 19 more transcripts); c.4011delT, p.Glu1338Lysfs (NM_001407649.1, NM_001407670.1, NM_001407671.1 and 11 more transcripts); c.4059delT, p.Glu1354Lysfs (NM_001407653.1, NM_001407654.1, NM_001407655.1 and 4 more transcripts); c.4056delT, p.Glu1353Lysfs (NM_001407659.1, NM_001407660.1, NM_001407661.1 and 1 more transcripts); and 44 more; short protein forms E1380fs, E277fs, E1333fs.
Identifiers: ClinVar variation 419246 (VCV000419246.4), dbSNP rs1064793746, ClinGen allele CA16620426.